The following is an entry in ClinVar:

NM_001206744.2(TPO):c.764del (p.Gly255fs)

Gene: TPO (thyroid peroxidase; plus strand). Cytogenetic location: 2p25.3.
Variant type: Deletion.
Coding change: c.764del on transcript NM_001206744.2 (MANE Select); coding-DNA position 764, one base deleted (G; older notation c.764delG).
Protein change: p.Gly255fs; shifts the reading frame from glycine 255.
Molecular consequence: frameshift variant.
Genome position (GRCh38, 1-based): chr2:1,456,227, G deleted; the last of 5 consecutive G bases (chr2:1,456,223-1,456,227); deleting any one gives the same sequence. VCF-style (leftmost placement, unchanged base first): chr2-1456222-CG-C. GRCh37 (hg19) VCF-style: chr2-1459994-CG-C.
Other names: c.764del, p.Gly255fs (NM_000547.6, NM_001206745.2, NM_175719.4 and 2 more transcripts); short protein forms G255fs.
Identifiers: ClinVar variation 4984537 (VCV004984537.1).

ClinVar aggregate classification (germline): Likely pathogenic (1 of 4 stars; one submission).

Conditions:
TPO-related disorder. Also called: TPO-related condition.

Submission:

PreventionGenetics, part of Exact Sciences
Classification: Likely pathogenic for TPO-related condition. Last evaluated: 2025-05-15. Review status: criteria provided, single submitter. Criteria: ACMG Guidelines, 2015. Collection method: clinical testing. Allele origin: germline.
Comment: The TPO c.764delG variant is predicted to result in a frameshift and premature protein termination (p.Gly255Glufs*7). To our knowledge, this variant has not been reported in the literature or in a large population database (gnomAD), indicating this variant is rare. Frameshift variants in TPO are expected to be pathogenic. This variant is interpreted as likely pathogenic.